The following is an entry in ClinVar:

ClinVar aggregate classification (germline): Pathogenic (1 of 4 stars; one submission).

Conditions:
Fabry disease. Also called: Fabry's disease; ALPHA-GALACTOSIDASE A DEFICIENCY; ANDERSON-FABRY DISEASE; CERAMIDE TRIHEXOSIDASE DEFICIENCY; GLA DEFICIENCY; HEREDITARY DYSTOPIC LIPIDOSIS. Identifiers: Orphanet 324, MedGen C0002986, MONDO:0010526, OMIM 301500, HP:0001071. Disease mechanism: Fabry disease is due to inactivating mutations in the X-linked GLA gene resulting in deficiency of the enzyme Alpha Galactosidase-A., loss of function.

Submission:

Genomenon, Inc
Classification: Pathogenic for Fabry disease. Last evaluated: 2026-09-08. Review status: criteria provided, single submitter. Criteria: Genomenon Sequence Variant Interpretation Standards - Updated. Collection method: curation. Allele origin: germline. Affected: yes.
Comment: GLA p.Thr366TyrfsTer9 (c.1095dup) is a frameshift variant that is predicted to introduce a premature termination codon and result in a truncated or absent protein product. This variant has been observed in at least one proband with clinical features consistent with Fabry disease (PMID:39609713). Functional or patient cell studies have been reported (PMID:39609713). It is absent or not present at a significant frequency in gnomAD. In conclusion, we classify GLA p.Thr366TyrfsTer9 (c.1095dup) as a pathogenic variant.

Literature cited by the submitters: PubMed 39609713.

NM_000169.3(GLA):c.1095dup (p.Thr366fs)

Genes: GLA (galactosidase alpha; minus strand), RPL36A-HNRNPH2 (RPL36A-HNRNPH2 readthrough; plus strand). Cytogenetic location: Xq22.1.
Variant type: Duplication.
Coding change: c.1095dup on transcript NM_000169.3 (MANE Select); coding-DNA position 1095, one base duplicated (T; older notation c.1095dupT).
Protein change: p.Thr366fs; shifts the reading frame from threonine 366.
Molecular consequence: frameshift variant. On other transcripts: non-coding transcript variant (3), intron variant (2).
Genome position (GRCh38, 1-based): chrX:101,398,004, A duplicated on the plus strand (T on the coding strand, the reverse complement: GLA is on the minus strand). VCF-style (leftmost placement, unchanged base first): chrX-101398003-T-TA. GRCh37 (hg19) VCF-style: chrX-100652991-T-TA.
Other names: c.1218dup, p.Thr407fs (NM_001406747.1); c.300+2547dup (NM_001199973.2); c.177+6182dup (NM_001199974.2); short protein forms T366fs, T407fs.
Identifiers: ClinVar variation 4974840 (VCV004974840.1).